The following is an entry in ClinVar:

ClinVar aggregate classification (germline): Conflicting classifications of pathogenicity. Review status: criteria provided, conflicting classifications (1 of 4 stars). 5 submissions from 5 submitters: Uncertain significance (4); Likely benign (1). Last evaluated 2025-08-17.

Conditions:
Inborn genetic diseases. Identifiers: MedGen C0950123, MeSH D030342.
Arthrogryposis multiplex congenita 6. Identifiers: MedGen C5543431, MONDO:0030281, OMIM 619334.
Nemaline myopathy 2 (NEM2). Also called: Nemaline myopathy 2, autosomal recessive. Identifiers: MedGen C1850569, MONDO:0009725, OMIM 256030.

Allele frequency attached by ClinVar (database versions not stated): gnomAD exomes 0.00002 and 0.00007; gnomAD 0.00005; ExAC 0.00008; TOPMed 0.00008.
gnomAD v4.1: 33 of 1,613,766 alleles (0.002%); highest among the groups gnomAD compares: East Asian, 0.042%; no homozygotes.

Submissions (5):

Dasa
Classification: Uncertain significance. Last evaluated: 2025-08-17. Review status: criteria provided, single submitter. Criteria: DASA Assertion Criteria. Collection method: clinical testing. Allele origin: germline.
Comment: NM_001164508.2(NEB):c.10675C>T (p.Arg3559Cys) is a missense variant that results in the substitution of arginine with cysteine. The affected residue or protein region has prior evidence supporting clinical relevance. This variant is rare in population databases. The currently available literature and clinical evidence are not sufficient to establish a definitive association between this variant and the reported condition. Therefore, this variant is classified as a variant of uncertain significance.

Labcorp Genetics (formerly Invitae), Labcorp
Classification: Uncertain significance for Nemaline myopathy 2. Last evaluated: 2024-10-30. Review status: criteria provided, single submitter. Criteria: Invitae Variant Classification Sherloc (09022015). Collection method: clinical testing. Allele origin: germline.
Comment: This sequence change replaces arginine, which is basic and polar, with cysteine, which is neutral and slightly polar, at codon 3559 of the NEB protein (p.Arg3559Cys). This variant is present in population databases (rs751938843, gnomAD 0.08%). This variant has not been reported in the literature in individuals affected with NEB-related conditions. ClinVar contains an entry for this variant (Variation ID: 513567). Experimental studies and prediction algorithms are not available or were not evaluated, and the functional significance of this variant is currently unknown. In summary, the available evidence is currently insufficient to determine the role of this variant in disease. Therefore, it has been classified as a Variant of Uncertain Significance.

Ambry Genetics
Classification: Uncertain significance for Inborn genetic diseases. Last evaluated: 2021-12-07. Review status: criteria provided, single submitter. Criteria: Ambry Variant Classification Scheme 2023. Collection method: clinical testing. Allele origin: germline.

GeneDx
Classification: Likely benign. Last evaluated: 2017-11-22. Review status: criteria provided, single submitter. Criteria: GeneDx Variant Classification (06012015). Collection method: clinical testing. Allele origin: germline. Affected: yes.
Comment: This variant is considered likely benign or benign based on one or more of the following criteria: it is a conservative change, it occurs at a poorly conserved position in the protein, it is predicted to be benign by multiple in silico algorithms, and/or has population frequency not consistent with disease.

Juno Genomics, Hangzhou Juno Genomics, Inc
Classification: Uncertain significance for Nemaline myopathy 2; Arthrogryposis multiplex congenita 6. Review status: criteria provided, single submitter. Criteria: ACMG Guidelines, 2015. Collection method: clinical testing. Allele origin: germline.
Comment: Absent from controls (or at extremely low frequency if recessive) in Genome Aggregation Database.

NM_001164508.2(NEB):c.10675C>T (p.Arg3559Cys)

Gene: NEB (nebulin; minus strand). Cytogenetic location: 2q23.3.
Variant type: single nucleotide variant.
Coding change: c.10675C>T on transcript NM_001164508.2 (MANE Select); coding-DNA position 10675, C replaced by T.
Protein change: p.Arg3559Cys; replaces arginine 3559 with cysteine.
Molecular consequence: missense variant.
Genome position (GRCh38, 1-based): chr2:151,619,648, G>A on the plus strand (C>T on the coding strand, the complement: NEB is on the minus strand). VCF-style: chr2-151619648-G-A. GRCh37 (hg19) VCF-style: chr2-152476162-G-A.
Other names: c.10675C>T, p.Arg3559Cys (NM_001164507.2, NM_001271208.2); c.9946C>T, p.Arg3316Cys (NM_004543.5); c.9946C>T (NM_004543.4); short protein forms R3559C, R3316C.
Identifiers: ClinVar variation 513567 (VCV000513567.11), dbSNP rs751938843, ClinGen allele CA1908968.
Genomic context (GRCh38, chr2:151,619,648, plus strand): 5'-GCATGTCCACTGGGCTGCTGTACCTTGTCTTGTATTTCTCAAAATCTTTCTTGTACTCAC[G>A]GTCACTCTGCACTTTGGCAATGTGGAGGGACCACATTATCTTGGGGTCATCGTGTACTGC-3'
Protein context (NP_001157980.2, residues 3549-3569): SLHIAKVQSD[Arg3559Cys]EYKKDFEKYK